The following is an entry in ClinVar:

ClinVar aggregate classification (germline): Pathogenic (1 of 4 stars; one submission).

Conditions:
Saldino-Mainzer syndrome (SRTD9). Also called: CONORENAL SYNDROME; Renal dysplasia, retinal pigmentary dystrophy, cerebellar ataxia and skeletal dysplasia; SHORT-RIB THORACIC DYSPLASIA 9 WITHOUT POLYDACTYLY; short-rib thoracic dysplasia 9 with or without polydactyly. Identifiers: Orphanet 140969, MedGen C1849437, MONDO:0009964, OMIM 266920.

gnomAD v4.1: 1 of 1,610,330 alleles (0.000062%); highest among the groups gnomAD compares: Non-Finnish European, 0.000085%; no homozygotes.

Submission:

Labcorp Genetics (formerly Invitae), Labcorp
Classification: Pathogenic for Saldino-Mainzer syndrome. Last evaluated: 2025-04-16. Review status: criteria provided, single submitter. Criteria: Invitae Variant Classification Sherloc (09022015). Collection method: clinical testing. Allele origin: germline.
Comment: This sequence change creates a premature translational stop signal (p.Gln994*) in the IFT140 gene. It is expected to result in an absent or disrupted protein product. Loss-of-function variants in IFT140 are known to be pathogenic (PMID: 22503633, 23418020, 24009529, 26216056). This variant is not present in population databases (gnomAD no frequency). This variant has not been reported in the literature in individuals affected with IFT140-related conditions. ClinVar contains an entry for this variant (Variation ID: 3655574). For these reasons, this variant has been classified as Pathogenic.

Literature cited by the submitters: PubMed 22503633; PubMed 23418020; PubMed 24009529; PubMed 26216056.

NM_014714.4(IFT140):c.2980C>T (p.Gln994Ter)

Genes: IFT140 (intraflagellar transport 140; minus strand), LOC126862260 (CDK7 strongly-dependent group 2 enhancer GRCh37_chr16:1574508-1575707; plus strand). Cytogenetic location: 16p13.3.
Variant type: single nucleotide variant.
Coding change: c.2980C>T on transcript NM_014714.4 (MANE Select); coding-DNA position 2980, C replaced by T.
Protein change: p.Gln994Ter; replaces glutamine 994 with a stop codon.
Molecular consequence: nonsense.
Genome position (GRCh38, 1-based): chr16:1,524,801, G>A on the plus strand (C>T on the coding strand, the complement: IFT140 is on the minus strand). VCF-style: chr16-1524801-G-A. GRCh37 (hg19) VCF-style: chr16-1574802-G-A.
Other names: short protein forms Q994*.
Identifiers: ClinVar variation 3655574 (VCV003655574.2).
Genomic context (GRCh38, chr16:1,524,801, plus strand): 5'-CTGCCTCGTGTCCGCCTGGCCGGCTCCCCTGCGGGGACCTTACCTTCTGGACATTGCCCT[G>A]GAAGCAGTGGATGCGGACCAGGGAGAAGTGGTCCCGGGCCAGCTCGTAGTAGTGCAGCGC-3'